The following is an entry in ClinVar:

NM_020549.5(CHAT):c.394C>T (p.Pro132Ser)

Gene: CHAT (choline O-acetyltransferase; plus strand). Cytogenetic location: 10q11.23.
Variant type: single nucleotide variant.
Coding change: c.394C>T on transcript NM_020549.5 (MANE Select); coding-DNA position 394, C replaced by T.
Protein change: p.Pro132Ser; replaces proline 132 with serine.
Molecular consequence: missense variant.
Genome position (GRCh38, 1-based): chr10:49,619,731, C>T. VCF-style: chr10-49619731-C-T. GRCh37 (hg19) VCF-style: chr10-50827777-C-T.
Other names: c.40C>T, p.Pro14Ser (NM_001142929.2, NM_001142934.2, NM_020984.4 and 2 more transcripts); c.148C>T, p.Pro50Ser (NM_001142933.2); short protein forms P132S, P14S, P50S.
Identifiers: ClinVar variation 1051147 (VCV001051147.6), dbSNP rs1323843750, ClinGen allele CA376726706.

ClinVar aggregate classification (germline): Uncertain significance (1 of 4 stars; one submission).

Conditions:
Familial infantile myasthenia (CMS6). Also called: MYASTHENIC SYNDROME, PRESYNAPTIC, CONGENITAL, ASSOCIATED WITH EPISODIC APNEA; MYASTHENIC SYNDROME, CONGENITAL, 6, PRESYNAPTIC; Congenital myasthenic syndrome type 6. Identifiers: Orphanet 590, MedGen C0393929, MONDO:0009689, OMIM 254210.

Allele frequency attached by ClinVar (database versions not stated): gnomAD 0.00001; gnomAD exomes 0.00001 and 0.00002.
gnomAD v4.1: 12 of 1,611,210 alleles (0.00074%); highest among the groups gnomAD compares: Middle Eastern, 0.019%; no homozygotes.

Submission:

Labcorp Genetics (formerly Invitae), Labcorp
Classification: Uncertain significance for Familial infantile myasthenia. Last evaluated: 2021-08-28. Review status: criteria provided, single submitter. Criteria: Invitae Variant Classification Sherloc (09022015). Collection method: clinical testing. Allele origin: germline.
Comment: This sequence change replaces proline with serine at codon 132 of the CHAT protein (p.Pro132Ser). The proline residue is highly conserved and there is a moderate physicochemical difference between proline and serine. This variant is not present in population databases (ExAC no frequency). This variant has not been reported in the literature in individuals affected with CHAT-related conditions. Algorithms developed to predict the effect of missense changes on protein structure and function (SIFT, PolyPhen-2, Align-GVGD) all suggest that this variant is likely to be disruptive. In summary, the available evidence is currently insufficient to determine the role of this variant in disease. Therefore, it has been classified as a Variant of Uncertain Significance.